The following is an entry in ClinVar:

ClinVar aggregate classification (germline): Uncertain significance (1 of 4 stars; one submission).

Submission:

GeneDx
Classification: Uncertain significance. Last evaluated: 2024-12-11. Review status: criteria provided, single submitter. Criteria: GeneDx Variant Classification Process June 2021. Collection method: clinical testing. Allele origin: germline. Affected: yes.
Comment: Not observed at significant frequency in large population cohorts (gnomAD); In silico analysis supports that this missense variant has a deleterious effect on protein structure/function; Has not been previously published as pathogenic or benign to our knowledge

NM_015030.2(FRYL):c.5443C>A (p.Gln1815Lys)

Gene: FRYL (FRY like transcription coactivator; minus strand). Cytogenetic location: 4p11.
Variant type: single nucleotide variant.
Coding change: c.5443C>A on transcript NM_015030.2 (MANE Select); coding-DNA position 5443, C replaced by A.
Protein change: p.Gln1815Lys; replaces glutamine 1815 with lysine.
Molecular consequence: missense variant.
Genome position (GRCh38, 1-based): chr4:48,543,956, G>T on the plus strand (C>A on the coding strand, the complement: FRYL is on the minus strand). VCF-style: chr4-48543956-G-T. GRCh37 (hg19) VCF-style: chr4-48545973-G-T.
Other names: short protein forms Q1815K.
Identifiers: ClinVar variation 3903054 (VCV003903054.1).